The following is an entry in ClinVar:

NM_004415.4(DSP):c.7238A>G (p.Lys2413Arg)

Gene: DSP (desmoplakin; plus strand). Cytogenetic location: 6p24.3.
Variant type: single nucleotide variant.
Coding change: c.7238A>G on transcript NM_004415.4 (MANE Select); coding-DNA position 7238, A replaced by G.
Protein change: p.Lys2413Arg; replaces lysine 2413 with arginine.
Molecular consequence: missense variant.
Genome position (GRCh38, 1-based): chr6:7,584,500, A>G. VCF-style: chr6-7584500-A-G. GRCh37 (hg19) VCF-style: chr6-7584733-A-G.
Other names: c.5441A>G, p.Lys1814Arg (NM_001008844.3); c.5909A>G, p.Lys1970Arg (NM_001319034.2); short protein forms K1814R, K1970R, K2413R.
Identifiers: ClinVar variation 4757074 (VCV004757074.1).
Genomic context (GRCh38, chr6:7,584,500, plus strand): 5'-AGAGGGGCTATTTCAATGAGGAACTCAGTGAGATTCTCTCAGATCCAAGTGATGATACCA[A>G]AGGATTTTTTGACCCCAACACTGAAGAAAATCTTACCTATCTGCAACTAAAAGAAAGATG-3'
Protein context (NP_004406.2, residues 2403-2423): EILSDPSDDT[Lys2413Arg]GFFDPNTEEN

ClinVar aggregate classification (germline): Uncertain significance (1 of 4 stars; one submission).

Conditions:
Cardiomyopathy (CMYO). Also called: Cardiomyopathies. Identifiers: Orphanet 167848, MedGen C0878544, MONDO:0004994, HP:0001638. Inheritance: Various modes of inheritance.

Submission:

Color Diagnostics, LLC DBA Color Health
Classification: Uncertain significance for Cardiomyopathy. Last evaluated: 2025-06-17. Review status: criteria provided, single submitter. Criteria: ACMG Guidelines, 2015. Collection method: clinical testing. Allele origin: germline.
Comment: This missense variant replaces lysine with arginine at codon 2413 of the DSP protein. Computational prediction suggests that this variant may not impact protein structure and function. To our knowledge, functional studies have not been reported for this variant. This variant has not been reported in individuals affected with DSP-related disorders in the literature. This variant has not been identified in the general population by the Genome Aggregation Database (gnomAD). The available evidence is insufficient to determine the role of this variant in disease conclusively. Therefore, this variant is classified as a Variant of Uncertain Significance.